The following is an entry in ClinVar:

ClinVar aggregate classification (germline): Conflicting classifications of pathogenicity. Review status: criteria provided, conflicting classifications (1 of 4 stars). 12 submissions from 9 submitters: Uncertain significance (4); Likely benign (7). 1 of the submissions does not count toward it. Last evaluated 2026-06-10.

Conditions:
MPZ-related disorder. Also called: MPZ-related disorders; MPZ-related condition.
Neuropathy, congenital hypomyelinating, 2. Identifiers: MedGen C4722277, MONDO:0020765, OMIM 618184.
Charcot-Marie-Tooth disease. Also called: Charcot-Marie-Tooth Neuropathy; Charcot-Marie-Tooth Hereditary Neuropathy. Identifiers: Orphanet 166, MedGen C0007959, MONDO:0015626.
Inborn genetic diseases. Identifiers: MedGen C0950123, MeSH D030342.
Charcot-Marie-Tooth disease type 1B. Also called: HEREDITARY MOTOR AND SENSORY NEUROPATHY I; HEREDITARY MOTOR AND SENSORY NEUROPATHY IB; PERONEAL MUSCULAR ATROPHY; CHARCOT-MARIE-TOOTH DISEASE, AUTOSOMAL DOMINANT, WITH FOCALLY FOLDED MYELIN SHEATHS, TYPE 1B; CHARCOT-MARIE-TOOTH DISEASE, SLOW NERVE CONDUCTION TYPE, LINKED TO DUFFY; CHARCOT-MARIE-TOOTH NEUROPATHY, TYPE 1B. Identifiers: Orphanet 101082, MedGen C0270912, MONDO:0007307, OMIM 118200.
Charcot-Marie-Tooth disease dominant intermediate D. Also called: CHARCOT-MARIE-TOOTH NEUROPATHY, DOMINANT INTERMEDIATE D; Charcot-Marie-Tooth disease dominant intermediate 3; CMT DI3. Identifiers: Orphanet 100046, MedGen C1843075, MONDO:0011909, OMIM 607791.
Charcot-Marie-Tooth disease, type I (CMT1). Also called: Charcot-Marie-Tooth, Type 1; Charcot-Marie-Tooth disease type 1. Identifiers: Orphanet 65753, MedGen C0751036, MONDO:0019011.
Roussy-Lévy syndrome. Also called: Roussy Levy hereditary areflexic dystasia; Roussy-Levy disease; Hereditary areflexic dystasia; Roussy-Levy Syndrome. Identifiers: Orphanet 3115, MedGen C0205713, MONDO:0008392, OMIM 180800.

Allele frequency attached by ClinVar (database versions not stated): gnomAD 0.00005; TOPMed 0.00011.
gnomAD v4.1: 136 of 1,614,122 alleles (0.0084%); highest among the groups gnomAD compares: Middle Eastern, 0.13%; 1 homozygote.

Submissions (12):

PreventionGenetics, part of Exact Sciences
Classification: Uncertain significance for MPZ-related condition. Last evaluated: 2026-06-10. Review status: criteria provided, single submitter. Criteria: ACMG Guidelines, 2015. Collection method: clinical testing. Allele origin: germline.
Comment: The MPZ c.637G>C variant is predicted to result in the amino acid substitution p.Gly213Arg. This variant has been reported as a variant of uncertain significance in an individual with Charcot-Marie-Tooth disease; however, additional support for pathogenicity was not provided (Supp. Table 2. Volodarsky et al. 2021. PubMed ID: 32376792). This variant is reported in 0.016% of alleles in individuals of South Asian descent in gnomAD, which may be too frequent to be a primary cause of disease. Although we suspect that this variant may be benign, at this time, the clinical significance of this variant is uncertain due to the absence of conclusive functional and genetic evidence.

Labcorp Genetics (formerly Invitae), Labcorp
Classification: Likely benign for Charcot-Marie-Tooth disease, type I. Last evaluated: 2025-11-23. Review status: criteria provided, single submitter. Criteria: Invitae Variant Classification Sherloc (09022015). Collection method: clinical testing. Allele origin: germline.

CeGaT Center for Human Genetics Tuebingen
Classification: Uncertain significance. Last evaluated: 2024-11-01. Review status: criteria provided, single submitter. Criteria: CeGaT Center For Human Genetics Tuebingen Variant Classification Criteria Version 2. Collection method: clinical testing. Allele origin: germline. Affected: yes. Observed: 1 variant allele.
Comment: MPZ: PM2:Supporting

Ambry Genetics
Classification: Likely benign for Inborn genetic diseases. Last evaluated: 2022-01-03. Review status: criteria provided, single submitter. Criteria: Ambry Variant Classification Scheme 2023. Collection method: clinical testing. Allele origin: germline.

Athena Diagnostics
Classification: Likely benign. Last evaluated: 2021-04-23. Review status: criteria provided, single submitter. Criteria: Athena Diagnostics criteria. Collection method: clinical testing. Allele origin: unknown.

GeneDx
Classification: Uncertain significance. Last evaluated: 2018-04-23. Review status: criteria provided, single submitter. Criteria: GeneDx Variant Classification (06012015). Collection method: clinical testing. Allele origin: germline. Affected: yes.
Comment: A variant of uncertain significance has been identified in the MPZ gene. The G213R variant has been reported previously in two siblings with axonal CMT; however, this variant was inherited from their unaffected father (Brozkova et al., 2010). The G213R variant is not observed at a significant frequency in large population cohorts (Lek et al., 2016; 1000 Genomes Consortium et al., 2015; Exome Variant Server). The G213R variant is a non-conservative amino acid substitution, which is likely to impact secondary protein structure as these residues differ in polarity, charge, size and/or other properties. This substitution occurs at a position that is conserved in mammals, and in silico analysis predicts this variant is probably damaging to the protein structure/function. Therefore, based on the currently available information, it is unclear whether this variant is a pathogenic variant or a rare benign variant.

Illumina Laboratory Services, Illumina
Classification: Likely benign for Neuropathy, congenital hypomyelinating, 2. Last evaluated: 2017-04-28. Review status: criteria provided, single submitter. Criteria: ICSL Variant Classification Criteria 13 December 2019. Collection method: clinical testing. Allele origin: germline.
Comment: This variant was observed as part of a predisposition screen in an ostensibly healthy population. A literature search was performed for the gene, cDNA change, and amino acid change (where applicable). No publications were found based on this search. Allele frequency data from public databases allowed determination this variant is unlikely to cause disease. Therefore, this variant is classified as likely benign.

Illumina Laboratory Services, Illumina
Classification: Likely benign for Roussy-Lévy syndrome. Last evaluated: 2017-04-28. Review status: criteria provided, single submitter. Criteria: ICSL Variant Classification Criteria 13 December 2019. Collection method: clinical testing. Allele origin: germline.
Comment: the same text as in the submission from Illumina Laboratory Services, Illumina above.

Illumina Laboratory Services, Illumina
Classification: Likely benign for Charcot-Marie-Tooth disease dominant intermediate D. Last evaluated: 2017-04-28. Review status: criteria provided, single submitter. Criteria: ICSL Variant Classification Criteria 13 December 2019. Collection method: clinical testing. Allele origin: germline.
Comment: This variant was observed as part of a predisposition screen in an ostensibly healthy population. A literature search was performed for the gene, cDNA change, and amino acid change (where applicable). Publications were found based on this search. The evidence from the literature, in combination with allele frequency data from public databases where available, was sufficient to determine this variant is unlikely to cause disease. Therefore, this variant is classified as likely benign.

Illumina Laboratory Services, Illumina
Classification: Likely benign for Charcot-Marie-Tooth disease type 1B. Last evaluated: 2017-04-28. Review status: criteria provided, single submitter. Criteria: ICSL Variant Classification Criteria 13 December 2019. Collection method: clinical testing. Allele origin: germline.
Comment: the same text as in the submission from Illumina Laboratory Services, Illumina above.

Molecular Genetics Laboratory, London Health Sciences Centre
Classification: Uncertain significance for Charcot-Marie-Tooth disease. Review status: criteria provided, single submitter. Criteria: ACMG Guidelines, 2015. Collection method: clinical testing. Allele origin: germline. Affected: yes.

Inherited Neuropathy Consortium
Classification: Benign for Charcot-Marie-Tooth disease. Review status: no assertion criteria provided. Collection method: literature only. Allele origin: germline. Affected: yes. Not counted in ClinVar's aggregate classification.

Literature cited by the submitters: PubMed 20456450 (cited by 4 submitters).

NM_000530.8(MPZ):c.637G>C (p.Gly213Arg)

Gene: MPZ (myelin protein zero; minus strand). Cytogenetic location: 1q23.3.
Variant type: single nucleotide variant.
Coding change: c.637G>C on transcript NM_000530.8 (MANE Select); coding-DNA position 637, G replaced by C.
Protein change: p.Gly213Arg; replaces glycine 213 with arginine.
Molecular consequence: missense variant.
Genome position (GRCh38, 1-based): chr1:161,306,116, C>G on the plus strand (G>C on the coding strand, the complement: MPZ is on the minus strand). VCF-style: chr1-161306116-C-G. GRCh37 (hg19) VCF-style: chr1-161275906-C-G.
Other names: c.637G>C (LRG_256t1, NM_000530.7); c.637G>C, p.Gly213Arg (NM_001315491.2); short protein forms G213R.
Identifiers: ClinVar variation 246572 (VCV000246572.37), dbSNP rs202176679, ClinGen allele CA1210099.